The following is an entry in ClinVar:

ClinVar aggregate classification (germline): Conflicting classifications of pathogenicity. Review status: criteria provided, conflicting classifications (1 of 4 stars). 2 submissions from 2 submitters: Uncertain significance (1); Likely benign (1). Last evaluated 2025-10-17.

Conditions:
Inborn genetic diseases. Identifiers: MedGen C0950123, MeSH D030342.
Fanconi anemia (FA). Also called: Fanconi's anemia. Identifiers: Orphanet 84, MedGen C0015625, MeSH D005199, MONDO:0019391.

Allele frequency attached by ClinVar (database versions not stated): gnomAD exomes 0.00001.
gnomAD v4.1: 4 of 1,572,678 alleles (0.00025%); highest among the groups gnomAD compares: Non-Finnish European, 0.00035%; no homozygotes.

Submissions (2):

Ambry Genetics
Classification: Likely benign for Inborn genetic diseases. Last evaluated: 2025-10-17. Review status: criteria provided, single submitter. Criteria: Ambry Variant Classification Scheme 2023. Collection method: clinical testing. Allele origin: germline.

Labcorp Genetics (formerly Invitae), Labcorp
Classification: Uncertain significance for Fanconi anemia. Last evaluated: 2021-12-23. Review status: criteria provided, single submitter. Criteria: Invitae Variant Classification Sherloc (09022015). Collection method: clinical testing. Allele origin: germline.
Comment: This sequence change replaces lysine, which is basic and polar, with glutamine, which is neutral and polar, at codon 865 of the FANCD2 protein (p.Lys865Gln). This variant is not present in population databases (gnomAD no frequency). This variant has not been reported in the literature in individuals affected with FANCD2-related conditions. Algorithms developed to predict the effect of missense changes on protein structure and function output the following: SIFT: "Tolerated"; PolyPhen-2: "Benign"; Align-GVGD: "Class C0". The glutamine amino acid residue is found in multiple mammalian species, which suggests that this missense change does not adversely affect protein function. In summary, the available evidence is currently insufficient to determine the role of this variant in disease. Therefore, it has been classified as a Variant of Uncertain Significance.

NM_001018115.3(FANCD2):c.2593A>C (p.Lys865Gln)

Genes: FANCD2 (FA complementation group D2; plus strand), LOC107303338 (3p25 FANCD2 Alu-mediated recombination region; plus strand). Cytogenetic location: 3p25.3.
Variant type: single nucleotide variant.
Coding change: c.2593A>C on transcript NM_001018115.3 (MANE Select); coding-DNA position 2593, A replaced by C.
Protein change: p.Lys865Gln; replaces lysine 865 with glutamine.
Molecular consequence: missense variant.
Genome position (GRCh38, 1-based): chr3:10,072,969, A>C. VCF-style: chr3-10072969-A-C. GRCh37 (hg19) VCF-style: chr3-10114653-A-C.
Other names: c.2593A>C, p.Lys865Gln (NM_001319984.2, NM_001374254.1, NM_033084.6); c.2482A>C, p.Lys828Gln (NM_001374253.1); short protein forms K865Q, K828Q.
Identifiers: ClinVar variation 2193603 (VCV002193603.2), dbSNP rs2125048080, ClinGen allele CA351741995.
Genomic context (GRCh38, chr3:10,072,969, plus strand): 5'-GTGGAAACTTTAGATATAACACCTCATACTGTTACTGCTATTTCAGCAAAAATCAGAAAG[A>C]AAGGAAAAATAGGTAAGTATGTTCTTTTCCTCTTGTCTTGTGTCTCTAAATAAGCTTCAT-3'
Protein context (NP_001018125.1, residues 855-875): VTAISAKIRK[Lys865Gln]GKIERKQKTD